The following is an entry in ClinVar:

NM_206933.4(USH2A):c.11231+1G>C

Gene: USH2A (usherin; minus strand). Cytogenetic location: 1q41.
Variant type: single nucleotide variant.
Coding change: c.11231+1G>C on transcript NM_206933.4 (MANE Select); the canonical splice donor site of the intron after coding-DNA position 11231, G replaced by C.
Molecular consequence: splice donor variant.
Genome position (GRCh38, 1-based): chr1:215,759,659, C>G on the plus strand (G>C on the coding strand, the complement: USH2A is on the minus strand). VCF-style: chr1-215759659-C-G. GRCh37 (hg19) VCF-style: chr1-215933001-C-G.
Identifiers: ClinVar variation 1066988 (VCV001066988.7), dbSNP rs111033382, ClinGen allele CA344822368.

ClinVar aggregate classification (germline): Likely pathogenic (1 of 4 stars; one submission).

Submission:

Labcorp Genetics (formerly Invitae), Labcorp
Classification: Likely pathogenic. Last evaluated: 2020-08-26. Review status: criteria provided, single submitter. Criteria: Invitae Variant Classification Sherloc (09022015). Collection method: clinical testing. Allele origin: germline.
Comment: This variant is not present in population databases (ExAC no frequency). In summary, the currently available evidence indicates that the variant is pathogenic, but additional data are needed to prove that conclusively. Therefore, this variant has been classified as Likely Pathogenic. Donor and acceptor splice site variants typically lead to a loss of protein function (PMID: 16199547), and loss-of-function variants in USH2A are known to be pathogenic (PMID: 10729113, 10909849, 20507924, 25649381). Algorithms developed to predict the effect of sequence changes on RNA splicing suggest that this variant may disrupt the consensus splice site, but this prediction has not been confirmed by published transcriptional studies. This variant has not been reported in the literature in individuals with USH2A-related conditions. This sequence change affects a donor splice site in intron 57 of the USH2A gene. It is expected to disrupt RNA splicing and likely results in an absent or disrupted protein product.

Literature cited by the submitters: PubMed 16199547; PubMed 10729113; PubMed 10909849; PubMed 20507924; PubMed 25649381.